The following is an entry in ClinVar:

NM_000891.3(KCNJ2):c.922A>T (p.Thr308Ser)

Gene: KCNJ2 (potassium inwardly rectifying channel subfamily J member 2; plus strand). Cytogenetic location: 17q24.3.
Variant type: single nucleotide variant.
Coding change: c.922A>T on transcript NM_000891.3 (MANE Select); coding-DNA position 922, A replaced by T.
Protein change: p.Thr308Ser; replaces threonine 308 with serine.
Molecular consequence: missense variant.
Genome position (GRCh38, 1-based): chr17:70,175,961, A>T. VCF-style: chr17-70175961-A-T. GRCh37 (hg19) VCF-style: chr17-68172102-A-T.
Other names: short protein forms T308S.
Identifiers: ClinVar variation 1058217 (VCV001058217.9), dbSNP rs2144377666, ClinGen allele CA400862691.

ClinVar aggregate classification (germline): Uncertain significance (1 of 4 stars; one submission).

Conditions:
Andersen Tawil syndrome (LQT7). Also called: ANDERSEN CARDIODYSRHYTHMIC PERIODIC PARALYSIS; Potassium-sensitive periodic paralysis, ventricular ectopy, and dysmorphic features; PERIODIC PARALYSIS, POTASSIUM-SENSITIVE CARDIODYSRHYTHMIC TYPE; Andersen Syndrome; LONG QT SYNDROME 7. Identifiers: Orphanet 37553, MedGen C1563715, MONDO:0008222, OMIM 170390.
Short QT syndrome type 3. Identifiers: Orphanet 51083, MedGen C1865018, MONDO:0012314, OMIM 609622.

Submission:

Labcorp Genetics (formerly Invitae), Labcorp
Classification: Uncertain significance for Short QT syndrome type 3; Andersen Tawil syndrome. Last evaluated: 2020-09-15. Review status: criteria provided, single submitter. Criteria: Invitae Variant Classification Sherloc (09022015). Collection method: clinical testing. Allele origin: germline.
Comment: This sequence change replaces threonine with serine at codon 308 of the KCNJ2 protein (p.Thr308Ser). The threonine residue is highly conserved and there is a small physicochemical difference between threonine and serine. This variant is not present in population databases (ExAC no frequency). This variant has not been reported in the literature in individuals with KCNJ2-related conditions. Algorithms developed to predict the effect of missense changes on protein structure and function (SIFT, PolyPhen-2, Align-GVGD) all suggest that this variant is likely to be disruptive, but these predictions have not been confirmed by published functional studies and their clinical significance is uncertain. In summary, the available evidence is currently insufficient to determine the role of this variant in disease. Therefore, it has been classified as a Variant of Uncertain Significance.